The following is an entry in ClinVar:

NM_006031.6(PCNT):c.5568C>T (p.Ile1856=)

Gene: PCNT (pericentrin; plus strand). Cytogenetic location: 21q22.3.
Variant type: single nucleotide variant.
Coding change: c.5568C>T on transcript NM_006031.6 (MANE Select); coding-DNA position 5568, C replaced by T.
Protein change: p.Ile1856=; no amino-acid change (isoleucine 1856 retained).
Molecular consequence: synonymous variant.
Genome position (GRCh38, 1-based): chr21:46,411,641, C>T. VCF-style: chr21-46411641-C-T. GRCh37 (hg19) VCF-style: chr21-47831555-C-T.
Other names: c.5214C>T, p.Ile1738= (NM_001315529.2); c.5568C>T (NM_006031.5).
Identifiers: ClinVar variation 2880591 (VCV002880591.4), dbSNP rs1407247684, ClinGen allele CA513173944.
Genomic context (GRCh38, chr21:46,411,641, plus strand): 5'-TGAGCTGGAGCGCAATGTAGCCCTCAGGGAGGCTGAGGTCGAAGACATGGCCTCCCGGAT[C>T]CAGGAGTTCGAAGCGGCCCTGAAAGCAAAGGAAGCGACGATTGCCGAGAGAAATTTAGAA-3'
Protein context (NP_006022.3, residues 1846-1866): EAEVEDMASR[Ile1856=]QEFEAALKAK

ClinVar aggregate classification (germline): Likely benign. Review status: criteria provided, multiple submitters, no conflicts (2 of 4 stars). 2 submissions from 2 submitters: Likely benign (2). Last evaluated 2025-04-30.

Conditions:
PCNT-related disorder. Also called: PCNT-related condition.

Allele frequency attached by ClinVar (database versions not stated): gnomAD 0.00001; gnomAD exomes below 0.00001; TOPMed below 0.00001.
gnomAD v4.1: 2 of 1,612,950 alleles (0.00012%); highest among the groups gnomAD compares: Admixed American, 0.0033%; no homozygotes.

Submissions (2):

PreventionGenetics, part of Exact Sciences
Classification: Likely benign for PCNT-related condition. Last evaluated: 2025-04-30. Review status: criteria provided, single submitter. Criteria: ACMG Guidelines, 2015. Collection method: clinical testing. Allele origin: germline.
Comment: This variant is classified as likely benign based on ACMG/AMP sequence variant interpretation guidelines (Richards et al. 2015 PMID: 25741868, with internal and published modifications).

Labcorp Genetics (formerly Invitae), Labcorp
Classification: Likely benign. Last evaluated: 2023-04-18. Review status: criteria provided, single submitter. Criteria: Invitae Variant Classification Sherloc (09022015). Collection method: clinical testing. Allele origin: germline.